The following is an entry in ClinVar:

NM_000085.5(CLCNKB):c.544C>T (p.Arg182Cys)

Genes: CLCNKB (chloride voltage-gated channel Kb; plus strand), LOC106501713 (CLCNKB recombination region; plus strand). Cytogenetic location: 1p36.13.
Variant type: single nucleotide variant.
Coding change: c.544C>T on transcript NM_000085.5 (MANE Select); coding-DNA position 544, C replaced by T.
Protein change: p.Arg182Cys; replaces arginine 182 with cysteine.
Molecular consequence: missense variant.
Genome position (GRCh38, 1-based): chr1:16,048,388, C>T. VCF-style: chr1-16048388-C-T. GRCh37 (hg19) VCF-style: chr1-16374883-C-T.
Other names: short protein forms R182C.
Identifiers: ClinVar variation 2995619 (VCV002995619.3), dbSNP rs1413090343, ClinGen allele CA338634958.

ClinVar aggregate classification (germline): Uncertain significance (1 of 4 stars; one submission).

Allele frequency attached by ClinVar (database versions not stated): TOPMed below 0.00001.

Submission:

Labcorp Genetics (formerly Invitae), Labcorp
Classification: Uncertain significance. Last evaluated: 2024-01-16. Review status: criteria provided, single submitter. Criteria: Invitae Variant Classification Sherloc (09022015). Collection method: clinical testing. Allele origin: germline.
Comment: This sequence change replaces arginine, which is basic and polar, with cysteine, which is neutral and slightly polar, at codon 182 of the CLCNKB protein (p.Arg182Cys). This variant is present in population databases (no rsID available, gnomAD 0.003%). This variant has not been reported in the literature in individuals affected with CLCNKB-related conditions. Advanced modeling of protein sequence and biophysical properties (such as structural, functional, and spatial information, amino acid conservation, physicochemical variation, residue mobility, and thermodynamic stability) has been performed at Invitae for this missense variant, however the output from this modeling did not meet the statistical confidence thresholds required to predict the impact of this variant on CLCNKB protein function. In summary, the available evidence is currently insufficient to determine the role of this variant in disease. Therefore, it has been classified as a Variant of Uncertain Significance.